The following is an entry in ClinVar:

ClinVar aggregate classification (germline): Uncertain significance (1 of 4 stars; one submission).

Allele frequency attached by ClinVar (database versions not stated): ExAC 0.00003; TOPMed 0.00005; gnomAD exomes 0.00006; gnomAD 0.00007.
gnomAD v4.1: 96 of 1,613,326 alleles (0.006%); highest among the groups gnomAD compares: Admixed American, 0.0083%; no homozygotes.

Submission:

Labcorp Genetics (formerly Invitae), Labcorp
Classification: Uncertain significance. Last evaluated: 2022-07-30. Review status: criteria provided, single submitter. Criteria: Invitae Variant Classification Sherloc (09022015). Collection method: clinical testing. Allele origin: germline.
Comment: In summary, the available evidence is currently insufficient to determine the role of this variant in disease. Therefore, it has been classified as a Variant of Uncertain Significance. This sequence change replaces alanine, which is neutral and non-polar, with valine, which is neutral and non-polar, at codon 229 of the ADGRB2 protein (p.Ala229Val). Algorithms developed to predict the effect of missense changes on protein structure and function output the following: SIFT: "Deleterious"; PolyPhen-2: "Benign"; Align-GVGD: "Class C0". The valine amino acid residue is found in multiple mammalian species, which suggests that this missense change does not adversely affect protein function. This variant has not been reported in the literature in individuals affected with ADGRB2-related conditions. This variant is present in population databases (rs751606384, gnomAD 0.009%).

NM_001364857.2(ADGRB2):c.686C>T (p.Ala229Val)

Gene: ADGRB2 (adhesion G protein-coupled receptor B2; minus strand). Cytogenetic location: 1p35.2.
Variant type: single nucleotide variant.
Coding change: c.686C>T on transcript NM_001364857.2 (MANE Select); coding-DNA position 686, C replaced by T.
Protein change: p.Ala229Val; replaces alanine 229 with valine.
Molecular consequence: missense variant.
Genome position (GRCh38, 1-based): chr1:31,756,151, G>A on the plus strand (C>T on the coding strand, the complement: ADGRB2 is on the minus strand). VCF-style: chr1-31756151-G-A. GRCh37 (hg19) VCF-style: chr1-32221752-G-A.
Other names: c.686C>T, p.Ala229Val (NM_001294335.2, NM_001294336.2, NM_001703.2); short protein forms A229V.
Identifiers: ClinVar variation 2199815 (VCV002199815.4), dbSNP rs751606384, ClinGen allele CA736102.
Genomic context (GRCh38, chr1:31,756,151, plus strand): 5'-TTGGACAGGGTGTGGGCAGCAGGAGGGCCTGGAGATGTGGTGGTGGTGGAGCCGGCCCCC[G>A]CCTCTCCAGGGCAGCTGCAGCCTGGCTGAGCAAAGCCGCAGGCCCTGCCGGCAGCGCGGC-3'
Protein context (NP_001351786.1, residues 219-239): AQPGCSCPGE[Ala229Val]GAGSTTTTSP